The following is an entry in ClinVar:

ClinVar aggregate classification (germline): Benign (0 of 4 stars; one submission).

Conditions:
MUC16-related disorder. Also called: MUC16-related condition.

Submission:

PreventionGenetics, part of Exact Sciences
Classification: Benign for MUC16-related condition. Last evaluated: 2019-02-18. Review status: no assertion criteria provided. Collection method: clinical testing. Allele origin: germline.
Comment: This variant is classified as benign based on ACMG/AMP sequence variant interpretation guidelines (Richards et al. 2015 PMID: 25741868, with internal and published modifications).

NM_001401501.2(MUC16):c.38732delC (p.Ser12911Leufs)

Gene: MUC16 (mucin 16, cell surface associated; minus strand). Cytogenetic location: 19p13.2.
Variant type: Deletion.
Coding change: c.38732delC on transcript NM_001401501.2 (MANE Select); coding-DNA position 38732, one base deleted (C).
Protein change: p.Ser12911Leufs; shifts the reading frame from serine 12911.
Molecular consequence: frameshift variant.
Genome position (GRCh38, 1-based): chr19:8,902,222, G deleted on the plus strand (C on the coding strand, the reverse complement: MUC16 is on the minus strand). VCF-style (leftmost placement, unchanged base first): chr19-8902221-AG-A. GRCh37 (hg19) VCF-style: chr19-9012897-AG-A.
Other names: c.38546del, p.Ser12849fs (NM_024690.2); c.38546delC (NM_024690.2); short protein forms S12849fs, S12911fs.
Identifiers: ClinVar variation 3055952 (VCV003055952.2), dbSNP rs1269236781, ClinGen allele CA631388280.